The following is an entry in ClinVar:

ClinVar aggregate classification (germline): Uncertain significance (1 of 4 stars; one submission).

gnomAD v4.1: 6 of 1,613,970 alleles (0.00037%); highest among the groups gnomAD compares: Non-Finnish European, 0.00051%; no homozygotes.

Submission:

Labcorp Genetics (formerly Invitae), Labcorp
Classification: Uncertain significance. Last evaluated: 2025-08-21. Review status: criteria provided, single submitter. Criteria: Invitae Variant Classification Sherloc (09022015). Collection method: clinical testing. Allele origin: germline.
Comment: This sequence change replaces alanine, which is neutral and non-polar, with glycine, which is neutral and non-polar, at codon 482 of the SLCO5A1 protein (p.Ala482Gly). This variant is present in population databases (no rsID available, gnomAD 0.002%). This variant has not been reported in the literature in individuals affected with SLCO5A1-related conditions. An algorithm developed to predict the effect of missense changes on protein structure and function (PolyPhen-2) suggests that this variant is likely to be tolerated. In summary, the available evidence is currently insufficient to determine the role of this variant in disease. Therefore, it has been classified as a Variant of Uncertain Significance.

NM_030958.3(SLCO5A1):c.1445C>G (p.Ala482Gly)

Gene: SLCO5A1 (solute carrier organic anion transporter family member 5A1; minus strand). Cytogenetic location: 8q13.3.
Variant type: single nucleotide variant.
Coding change: c.1445C>G on transcript NM_030958.3 (MANE Select); coding-DNA position 1445, C replaced by G.
Protein change: p.Ala482Gly; replaces alanine 482 with glycine.
Molecular consequence: missense variant.
Genome position (GRCh38, 1-based): chr8:69,705,208, G>C on the plus strand (C>G on the coding strand, the complement: SLCO5A1 is on the minus strand). VCF-style: chr8-69705208-G-C. GRCh37 (hg19) VCF-style: chr8-70617443-G-C.
Other names: c.1445C>G, p.Ala482Gly (NM_001146008.2); c.1280C>G, p.Ala427Gly (NM_001146009.1); short protein forms A482G, A427G.
Identifiers: ClinVar variation 4707279 (VCV004707279.1).